The following is an entry in ClinVar:

ClinVar aggregate classification (germline): Uncertain significance. Review status: criteria provided, multiple submitters, no conflicts (2 of 4 stars). 2 submissions from 2 submitters: Uncertain significance (2). Last evaluated 2024-06-15.

Conditions:
Xanthinuria type II. Also called: Xanthine dehydrogenase and aldehyde oxidase combined deficiency of; XDH and AOX dual deficiency. Identifiers: Orphanet 3467, Orphanet 93602, MedGen C1863688, MONDO:0011346, OMIM 603592.

Allele frequency attached by ClinVar (database versions not stated): gnomAD 0.00001; TOPMed 0.00001.
gnomAD v4.1: 2 of 1,263,282 alleles (0.00016%); highest among the groups gnomAD compares: African/African-American, 0.0015%; no homozygotes.

Submissions (2):

Fulgent Genetics
Classification: Uncertain significance for Xanthinuria type II. Last evaluated: 2024-06-15. Review status: criteria provided, single submitter. Criteria: ACMG Guidelines, 2015. Collection method: clinical testing. Allele origin: germline.

Labcorp Genetics (formerly Invitae), Labcorp
Classification: Uncertain significance for Xanthinuria type II. Last evaluated: 2022-09-06. Review status: criteria provided, single submitter. Criteria: Invitae Variant Classification Sherloc (09022015). Collection method: clinical testing. Allele origin: germline.
Comment: In summary, the available evidence is currently insufficient to determine the role of this variant in disease. Therefore, it has been classified as a Variant of Uncertain Significance. Algorithms developed to predict the effect of missense changes on protein structure and function are either unavailable or do not agree on the potential impact of this missense change (SIFT: "Deleterious"; PolyPhen-2: "Benign"; Align-GVGD: "Class C0"). ClinVar contains an entry for this variant (Variation ID: 1461411). This variant has not been reported in the literature in individuals affected with MOCOS-related conditions. This variant is not present in population databases (gnomAD no frequency). This sequence change replaces arginine, which is basic and polar, with histidine, which is basic and polar, at codon 45 of the MOCOS protein (p.Arg45His).

NM_017947.4(MOCOS):c.134G>A (p.Arg45His)

Gene: MOCOS (molybdenum cofactor sulfurase; plus strand). Cytogenetic location: 18q12.2.
Variant type: single nucleotide variant.
Coding change: c.134G>A on transcript NM_017947.4 (MANE Select); coding-DNA position 134, G replaced by A.
Protein change: p.Arg45His; replaces arginine 45 with histidine.
Molecular consequence: missense variant.
Genome position (GRCh38, 1-based): chr18:36,187,673, G>A. VCF-style: chr18-36187673-G-A. GRCh37 (hg19) VCF-style: chr18-33767636-G-A.
Other names: short protein forms R45H.
Identifiers: ClinVar variation 1461411 (VCV001461411.7), dbSNP rs1278187193, ClinGen allele CA402224825.